The following is an entry in ClinVar:

ClinVar aggregate classification (germline): Benign/Likely benign. Review status: criteria provided, multiple submitters, no conflicts (2 of 4 stars). 3 submissions from 3 submitters: Benign (1); Likely benign (1). 1 of the submissions does not count toward it. Last evaluated 2025-12-15.

Conditions:
Nephronophthisis 18 (NPHP18). Identifiers: Orphanet 655, MedGen C3890591, MONDO:0014374, OMIM 615862.
CEP83-related disorder. Also called: CEP83-related condition.

Allele frequency attached by ClinVar (database versions not stated): gnomAD exomes 0.00009 and 0.00018; ExAC 0.00022; gnomAD 0.00070 and 0.00076; TOPMed 0.00086; 1000 Genomes Project 0.00100; ESP Exome Variant Server 0.00100; 1000 Genomes Project 30x 0.00109.
gnomAD v4.1: 242 of 1,612,618 alleles (0.015%); highest among the groups gnomAD compares: African/African-American, 0.27%; no homozygotes.

Submissions (3):

Labcorp Genetics (formerly Invitae), Labcorp
Classification: Likely benign for Nephronophthisis 18. Last evaluated: 2025-12-15. Review status: criteria provided, single submitter. Criteria: Invitae Variant Classification Sherloc (09022015). Collection method: clinical testing. Allele origin: germline.

Blueprint Genetics
Classification: Benign. Last evaluated: 2023-06-20. Review status: criteria provided, single submitter. Criteria: ACMG Guidelines, 2015. Collection method: clinical testing. Allele origin: germline.

PreventionGenetics, part of Exact Sciences
Classification: Likely benign for CEP83-related condition. Last evaluated: 2022-06-06. Review status: no assertion criteria provided. Collection method: clinical testing. Allele origin: germline. Not counted in ClinVar's aggregate classification.
Comment: This variant is classified as likely benign based on ACMG/AMP sequence variant interpretation guidelines (Richards et al. 2015 PMID: 25741868, with internal and published modifications).

NM_016122.3(CEP83):c.1634G>A (p.Arg545His)

Gene: CEP83 (centrosomal protein 83; minus strand). Cytogenetic location: 12q22.
Variant type: single nucleotide variant.
Coding change: c.1634G>A on transcript NM_016122.3 (MANE Select); coding-DNA position 1634, G replaced by A.
Protein change: p.Arg545His; replaces arginine 545 with histidine.
Molecular consequence: missense variant. On other transcripts: non-coding transcript variant (2).
Genome position (GRCh38, 1-based): chr12:94,331,773, C>T on the plus strand (G>A on the coding strand, the complement: CEP83 is on the minus strand). VCF-style: chr12-94331773-C-T. GRCh37 (hg19) VCF-style: chr12-94725549-C-T.
Other names: c.1634G>A, p.Arg545His (NM_001042399.2, NM_001346457.2, NM_001368037.1 and 1 more transcripts); c.1322G>A, p.Arg441His (NM_001346458.2, NM_001346459.2, NM_001368039.1 and 1 more transcripts); c.1409G>A, p.Arg470His (NM_001368041.1); short protein forms R470H, R545H, R441H.
Identifiers: ClinVar variation 798203 (VCV000798203.13), dbSNP rs187309637, ClinGen allele CA6721596.